The following is an entry in ClinVar:

ClinVar aggregate classification (germline): Uncertain significance. Review status: criteria provided, multiple submitters, no conflicts (2 of 4 stars). 2 submissions from 2 submitters: Uncertain significance (2). Last evaluated 2025-08-01.

Conditions:
Diamond-Blackfan anemia. Also called: Blackfan Diamond syndrome; Aregenerative anemia chronic congenital; Red cell aplasia, pure hereditary; Congenital hypoplastic anemia; Aase syndrome. Identifiers: Orphanet 124, MedGen C1260899, MeSH D029503, MONDO:0015253, HP:0004810.
Diamond-Blackfan anemia 6 (DBA6). Also called: RPL5-Related Diamond-Blackfan Anemia. Identifiers: Orphanet 124, MedGen C2931850, MONDO:0012937, OMIM 612561.

Allele frequency attached by ClinVar (database versions not stated): gnomAD 0.00003; gnomAD exomes 0.00002; ExAC 0.00001; TOPMed 0.00002.
gnomAD v4.1: 33 of 1,607,102 alleles (0.0021%); highest among the groups gnomAD compares: African/African-American, 0.0027%; no homozygotes.

Submissions (2):

Labcorp Genetics (formerly Invitae), Labcorp
Classification: Uncertain significance for Diamond-Blackfan anemia. Last evaluated: 2025-08-01. Review status: criteria provided, single submitter. Criteria: Invitae Variant Classification Sherloc (09022015). Collection method: clinical testing. Allele origin: germline.
Comment: This sequence change replaces valine, which is neutral and non-polar, with alanine, which is neutral and non-polar, at codon 90 of the RPL5 protein (p.Val90Ala). This variant is present in population databases (rs775952185, gnomAD 0.008%). This variant has not been reported in the literature in individuals affected with RPL5-related conditions. ClinVar contains an entry for this variant (Variation ID: 661555). Invitae Evidence Modeling of protein sequence and biophysical properties (such as structural, functional, and spatial information, amino acid conservation, physicochemical variation, residue mobility, and thermodynamic stability) indicates that this missense variant is not expected to disrupt RPL5 protein function with a negative predictive value of 80%. In summary, the available evidence is currently insufficient to determine the role of this variant in disease. Therefore, it has been classified as a Variant of Uncertain Significance.

Fulgent Genetics
Classification: Uncertain significance for Diamond-Blackfan anemia 6. Last evaluated: 2022-01-01. Review status: criteria provided, single submitter. Criteria: ACMG Guidelines, 2015. Collection method: clinical testing. Allele origin: unknown.

NM_000969.5(RPL5):c.269T>C (p.Val90Ala)

Genes: DIPK1A (divergent protein kinase domain 1A; minus strand), RPL5 (ribosomal protein L5; plus strand). Cytogenetic location: 1p22.1.
Variant type: single nucleotide variant.
Coding change: c.269T>C on transcript NM_000969.5 (MANE Select); coding-DNA position 269, T replaced by C.
Protein change: p.Val90Ala; replaces valine 90 with alanine.
Molecular consequence: missense variant. On other transcripts: non-coding transcript variant (1), intron variant (1).
Genome position (GRCh38, 1-based): chr1:92,834,858, T>C. VCF-style: chr1-92834858-T-C. GRCh37 (hg19) VCF-style: chr1-93300415-T-C.
Other names: c.475-1824A>G (NM_001252273.2); short protein forms V90A.
Identifiers: ClinVar variation 661555 (VCV000661555.12), dbSNP rs775952185, ClinGen allele CA952420.